The following is an entry in ClinVar:

NM_001001344.3(ATP2B3):c.1330T>C (p.Ser444Pro)

Gene: ATP2B3 (ATPase plasma membrane Ca2+ transporting 3; plus strand). Cytogenetic location: Xq28.
Variant type: single nucleotide variant.
Coding change: c.1330T>C on transcript NM_001001344.3 (MANE Select); coding-DNA position 1330, T replaced by C.
Protein change: p.Ser444Pro; replaces serine 444 with proline.
Molecular consequence: missense variant.
Genome position (GRCh38, 1-based): chrX:153,548,846, T>C. VCF-style: chrX-153548846-T-C. GRCh37 (hg19) VCF-style: chrX-152814304-T-C.
Other names: c.1330T>C, p.Ser444Pro (NM_001388361.1, NM_001388362.1, NM_021949.4 and 1 more transcripts); c.1288T>C, p.Ser430Pro (NM_001410708.1); short protein forms S430P, S444P.
Identifiers: ClinVar variation 4851454 (VCV004851454.1).

ClinVar aggregate classification (germline): Uncertain significance (1 of 4 stars; one submission).

Conditions:
X-linked progressive cerebellar ataxia. Also called: OPCA, X-LINKED; Spinocerebellar ataxia, X-linked 1; OLIVOPONTOCEREBELLAR ATROPHY, X-LINKED. Identifiers: Orphanet 1175, MedGen C0796205, MONDO:0010547, OMIM 302500.

Submission:

Institute of Immunology and Genetics Kaiserslautern
Classification: Uncertain significance for X-linked progressive cerebellar ataxia. Last evaluated: 2026-01-06. Review status: criteria provided, single submitter. Criteria: ACMG Guidelines, 2015. Collection method: clinical testing. Allele origin: germline. Affected: yes.
Comment: ACMG Criteria: PM2_P, PP3; Variant was found in hemizygous state.